The following is an entry in ClinVar:

NM_001673.5(ASNS):c.556delinsTA (p.Glu186Ter)

Genes: ASNS (asparagine synthetase (glutamine-hydrolyzing); minus strand), CZ1P-ASNS (CZ1P-ASNS readthrough; minus strand). Cytogenetic location: 7q21.3.
Variant type: Indel.
Coding change: c.556delinsTA on transcript NM_001673.5 (MANE Select); coding-DNA position 556, G replaced by TA.
Protein change: p.Glu186Ter; replaces glutamic acid 186 with a stop codon.
Molecular consequence: nonsense. On other transcripts: non-coding transcript variant (1).
Genome position (GRCh38, 1-based): chr7:97,859,330, C replaced by TA on the plus strand (G replaced by TA on the coding strand, the reverse complement: ASNS is on the minus strand). VCF-style: chr7-97859330-C-TA. GRCh37 (hg19) VCF-style: chr7-97488642-C-TA.
Other names: c.493delinsTA, p.Glu165Ter (NM_001178075.2); c.307delinsTA, p.Glu103Ter (NM_001178076.2, NM_001178077.1); c.556delinsTA, p.Glu186Ter (NM_001352496.2, NM_133436.3, NM_183356.4); short protein forms E103*, E165*, E186*.
Identifiers: ClinVar variation 4816510 (VCV004816510.1).

ClinVar aggregate classification (germline): Likely pathogenic (1 of 4 stars; one submission).

Conditions:
Congenital microcephaly - severe encephalopathy - progressive cerebral atrophy syndrome. Also called: ASNS DEFICIENCY; Asparagine synthetase deficiency. Identifiers: Orphanet 391376, MedGen C3809971, MONDO:0014258, OMIM 615574.

Submission:

Natera, Inc.
Classification: Likely pathogenic for Asparagine synthetase deficiency. Last evaluated: 2024-05-31. Review status: criteria provided, single submitter. Criteria: Natera Variant Classification Schema (03/2026). Collection method: clinical testing. Allele origin: germline.
Comment: The c.556delinsTA variant in ASNS is a frameshift variant predicted to shift the reading frame and introduce a stop codon. This variant is expected to result in nonsense mediated decay, truncation, or a dysfunctional protein product. This variant is rare in the general population with a frequency below the threshold expected for the associated phenotype(s). Given the available evidence, this variant is classified as Likely Pathogenic.